The following is an entry in ClinVar:

ClinVar aggregate classification (germline): Uncertain significance (1 of 4 stars; one submission).

Submission:

Quest Diagnostics Nichols Institute San Juan Capistrano
Classification: Uncertain significance. Last evaluated: 2025-10-09. Review status: criteria provided, single submitter. Criteria: Quest Diagnostics criteria. Collection method: clinical testing. Allele origin: unknown.
Comment: The FANCM c.2245G>C (p.Val749Leu) variant has not been reported in individuals with FANCM-related conditions in the published literature. This variant also has not been reported in large, multi-ethnic general populations (Genome Aggregation Database). Analysis of this variant using bioinformatics tools for the prediction of the effect of amino acid changes on protein structure and function yielded conflicting predictions that this variant is benign or damaging. Based on the available information, we are unable to determine the clinical significance of this variant.

NM_020937.4(FANCM):c.2245G>C (p.Val749Leu)

Gene: FANCM (FA complementation group M; plus strand). Cytogenetic location: 14q21.2.
Variant type: single nucleotide variant.
Coding change: c.2245G>C on transcript NM_020937.4 (MANE Select); coding-DNA position 2245, G replaced by C.
Protein change: p.Val749Leu; replaces valine 749 with leucine.
Molecular consequence: missense variant.
Genome position (GRCh38, 1-based): chr14:45,173,139, G>C. VCF-style: chr14-45173139-G-C. GRCh37 (hg19) VCF-style: chr14-45642342-G-C.
Other names: c.2167G>C, p.Val723Leu (NM_001308133.2); short protein forms V723L, V749L.
Identifiers: ClinVar variation 4533126 (VCV004533126.1).